The following is an entry in ClinVar:

NM_000338.3(SLC12A1):c.503A>G (p.Glu168Gly)

Gene: SLC12A1 (solute carrier family 12 member 1; plus strand). Cytogenetic location: 15q21.1.
Variant type: single nucleotide variant.
Coding change: c.503A>G on transcript NM_000338.3 (MANE Select); coding-DNA position 503, A replaced by G.
Protein change: p.Glu168Gly; replaces glutamic acid 168 with glycine.
Molecular consequence: missense variant.
Genome position (GRCh38, 1-based): chr15:48,220,716, A>G. VCF-style: chr15-48220716-A-G. GRCh37 (hg19) VCF-style: chr15-48512913-A-G.
Other names: c.503A>G, p.Glu168Gly (NM_001184832.2); short protein forms E168G.
Identifiers: ClinVar variation 64411 (VCV000064411.2), dbSNP rs387907467, ClinGen allele CA216084.

ClinVar aggregate classification (germline): Uncertain significance (0 of 4 stars; one submission).

Submission:

Martin Pollak Laboratory,  Beth Israel Deaconess Medical Center
Classification: Uncertain significance. Review status: no assertion criteria provided. Collection method: not provided. Allele origin: unknown.
Comment: Lower UCa2+ group
ClinVar note: Converted during submission from unknown to Uncertain significance.